The following is an entry in ClinVar:

ClinVar aggregate classification (germline): Likely benign (0 of 4 stars; one submission).

Conditions:
MCM8-related disorder. Also called: MCM8-related condition.

gnomAD v4.1: 3 of 1,613,218 alleles (0.00019%); no homozygotes.

Submission:

PreventionGenetics, part of Exact Sciences
Classification: Likely benign for MCM8-related condition. Last evaluated: 2024-07-18. Review status: no assertion criteria provided. Collection method: clinical testing. Allele origin: germline.
Comment: This variant is classified as likely benign based on ACMG/AMP sequence variant interpretation guidelines (Richards et al. 2015 PMID: 25741868, with internal and published modifications).

NM_032485.6(MCM8):c.1572G>T (p.Gly524=)

Gene: MCM8 (minichromosome maintenance 8 homologous recombination repair factor; plus strand). Cytogenetic location: 20p12.3.
Variant type: single nucleotide variant.
Coding change: c.1572G>T on transcript NM_032485.6 (MANE Select); coding-DNA position 1572, G replaced by T.
Protein change: p.Gly524=; no amino-acid change (glycine 524 retained).
Molecular consequence: synonymous variant.
Genome position (GRCh38, 1-based): chr20:5,983,004, G>T. VCF-style: chr20-5983004-G-T. GRCh37 (hg19) VCF-style: chr20-5963650-G-T.
Other names: c.1572G>T, p.Gly524= (NM_001281520.2); c.1692G>T, p.Gly564= (NM_001281521.2); c.1431G>T, p.Gly477= (NM_001281522.2); c.1524G>T, p.Gly508= (NM_182802.3).
Identifiers: ClinVar variation 3350510 (VCV003350510.1).